The following is an entry in ClinVar:

NM_004519.4(KCNQ3):c.1120C>T (p.Pro374Ser)

Gene: KCNQ3 (potassium voltage-gated channel subfamily Q member 3; minus strand). Cytogenetic location: 8q24.22.
Variant type: single nucleotide variant.
Coding change: c.1120C>T on transcript NM_004519.4 (MANE Select); coding-DNA position 1120, C replaced by T.
Protein change: p.Pro374Ser; replaces proline 374 with serine.
Molecular consequence: missense variant.
Genome position (GRCh38, 1-based): chr8:132,172,618, G>A on the plus strand (C>T on the coding strand, the complement: KCNQ3 is on the minus strand). VCF-style: chr8-132172618-G-A. GRCh37 (hg19) VCF-style: chr8-133184865-G-A.
Other names: c.760C>T, p.Pro254Ser (NM_001204824.2); short protein forms P254S, P374S.
Identifiers: ClinVar variation 2499818 (VCV002499818.1), dbSNP rs1295477856, ClinGen allele CA372289856.

ClinVar aggregate classification (germline): Uncertain significance (1 of 4 stars; one submission).

Submission:

GeneDx
Classification: Uncertain significance. Last evaluated: 2023-04-19. Review status: criteria provided, single submitter. Criteria: GeneDx Variant Classification Process June 2021. Collection method: clinical testing. Allele origin: germline. Affected: yes.
Comment: Not observed at significant frequency in large population cohorts (gnomAD); In silico analysis supports that this missense variant has a deleterious effect on protein structure/function; Has not been previously published as pathogenic or benign to our knowledge